The following is an entry in ClinVar:

ClinVar aggregate classification (germline): Uncertain significance (1 of 4 stars; one submission).

Conditions:
PHIP-related disorder. Also called: PHIP-related disorders; PHIP-related condition.

Submission:

PreventionGenetics, part of Exact Sciences
Classification: Uncertain significance for PHIP-related condition. Last evaluated: 2025-08-14. Review status: criteria provided, single submitter. Criteria: ACMG Guidelines, 2015. Collection method: clinical testing. Allele origin: germline.
Comment: The PHIP c.3173T>C variant is predicted to result in the amino acid substitution p.Phe1058Ser. To our knowledge, this variant has not been reported in the literature or in a large population database (gnomAD), indicating this variant is rare. At this time, the clinical significance of this variant is uncertain due to the absence of conclusive functional and genetic evidence.

NM_017934.7(PHIP):c.3173T>C (p.Phe1058Ser)

Genes: IRAK1BP1 (interleukin 1 receptor associated kinase 1 binding protein 1; plus strand), PHIP (PHIP subunit of CUL4-Ring ligase complex; minus strand). Cytogenetic location: 6q14.1.
Variant type: single nucleotide variant.
Coding change: c.3173T>C on transcript NM_017934.7 (MANE Select); coding-DNA position 3173, T replaced by C.
Protein change: p.Phe1058Ser; replaces phenylalanine 1058 with serine.
Molecular consequence: missense variant.
Genome position (GRCh38, 1-based): chr6:78,969,867, A>G on the plus strand (T>C on the coding strand, the complement: PHIP is on the minus strand). VCF-style: chr6-78969867-A-G. GRCh37 (hg19) VCF-style: chr6-79679584-A-G.
Other names: short protein forms F1058S.
Identifiers: ClinVar variation 4992455 (VCV004992455.1).